The following is an entry in ClinVar:

NM_000939.4(POMC):c.199G>A (p.Glu67Lys)

Genes: POMC (proopiomelanocortin; minus strand), LOC129933280 (ATAC-STARR-seq lymphoblastoid silent region 11244; plus strand). Cytogenetic location: 2p23.3.
Variant type: single nucleotide variant.
Coding change: c.199G>A on transcript NM_000939.4 (MANE Select); coding-DNA position 199, G replaced by A.
Protein change: p.Glu67Lys; replaces glutamic acid 67 with lysine.
Molecular consequence: missense variant.
Genome position (GRCh38, 1-based): chr2:25,161,686, C>T on the plus strand (G>A on the coding strand, the complement: POMC is on the minus strand). VCF-style: chr2-25161686-C-T. GRCh37 (hg19) VCF-style: chr2-25384555-C-T.
Other names: c.199G>A, p.Glu67Lys (NM_001035256.3, NM_001319204.2, NM_001319205.2); short protein forms E67K.
Identifiers: ClinVar variation 3344401 (VCV003344401.1).
Genomic context (GRCh38, chr2:25,161,686, plus strand): 5'-ATCGGTCCCAGCGGAAGTGGCCCATGACGTACTTCCGGGGGTTCTCGGTCAGAGGCTGCT[C>T]GTCGCCATTTCCCGGGAACATGGGAGTCTCGGCCGAGAGGTCGGGCTTGCAGGCCCGGAT-3'
Protein context (NP_000930.1, residues 57-77): ETPMFPGNGD[Glu67Lys]QPLTENPRKY

ClinVar aggregate classification (germline): Uncertain significance (0 of 4 stars; one submission).

Conditions:
POMC-related disorder. Also called: POMC-related condition; POMC-related disorders.

gnomAD v4.1: 2 of 1,577,086 alleles (0.00013%); highest among the groups gnomAD compares: Non-Finnish European, 0.00017%; no homozygotes.

Submission:

PreventionGenetics, part of Exact Sciences
Classification: Uncertain significance for POMC-related condition. Last evaluated: 2024-04-04. Review status: no assertion criteria provided. Collection method: clinical testing. Allele origin: germline.
Comment: The POMC c.199G>A variant is predicted to result in the amino acid substitution p.Glu67Lys. This variant was observed in a cohort of individuals with obesity, and in vitro functional studies showed this variant did not reduce protein function and could cause increased function (Supplemental Data Set 3, Shah et al. 2023. PubMed ID: 36864747). To our knowledge, this variant has not been reported in gnomAD, indicating this variant is rare. Although we suspect this variant may be pathogenic, at this time, the clinical significance of this variant is uncertain due to the absence of conclusive functional and genetic evidence.